The following is an entry in ClinVar:

ClinVar aggregate classification (germline): Pathogenic (1 of 4 stars; one submission).

gnomAD v4.1: 2 of 1,614,160 alleles (0.00012%); highest among the groups gnomAD compares: Non-Finnish European, 0.00017%; no homozygotes.

Submission:

CeGaT Center for Human Genetics Tuebingen
Classification: Pathogenic. Last evaluated: 2026-02-01. Review status: criteria provided, single submitter. Criteria: CeGaT Center For Human Genetics Tuebingen Variant Classification Criteria Version 2. Collection method: clinical testing. Allele origin: germline. Affected: yes. Observed: 1 variant allele.
Comment: TG: PVS1, PM2

NM_003235.5(TG):c.4360C>T (p.Gln1454Ter)

Gene: TG (thyroglobulin; plus strand). Cytogenetic location: 8q24.22.
Variant type: single nucleotide variant.
Coding change: c.4360C>T on transcript NM_003235.5 (MANE Select); coding-DNA position 4360, C replaced by T.
Protein change: p.Gln1454Ter; replaces glutamine 1454 with a stop codon.
Molecular consequence: nonsense.
Genome position (GRCh38, 1-based): chr8:132,913,247, C>T. VCF-style: chr8-132913247-C-T. GRCh37 (hg19) VCF-style: chr8-133925492-C-T.
Other names: short protein forms Q1454*.
Identifiers: ClinVar variation 4822629 (VCV004822629.4).